The following is an entry in ClinVar:

NC_012920.1(MT-CYB):m.15043G>A

Genes: MT-TT (mitochondrially encoded tRNA threonine; plus strand), MT-CYB (mitochondrially encoded cytochrome b; plus strand).
Variant type: single nucleotide variant.
Genome position: chrM-15043-G-A.
Identifiers: ClinVar variation 140589 (VCV000140589.7), dbSNP rs193302985, ClinGen allele CA345705.

ClinVar aggregate classification (germline): Benign. Review status: criteria provided, multiple submitters, no conflicts (2 of 4 stars). 4 submissions from 4 submitters: Benign (2). 2 of the submissions do not count toward it. Last evaluated 2025-02-16.

Conditions:
Venous thromboembolism. Identifiers: MedGen C1861172, MeSH D054556, MONDO:0005399.
Familial cancer of breast. Also called: BREAST CANCER, FAMILIAL; Hereditary breast cancer; hereditary breast carcinoma. Identifiers: Orphanet 227535, MedGen C0346153, MONDO:0016419, OMIM 114480. Disease mechanism: loss of function.

Submissions (4):

Laboratory of Genetics, Children's Clinical University Hospital Latvia
Classification: Benign. Last evaluated: 2025-02-16. Review status: criteria provided, single submitter. Criteria: ACMG Guidelines, 2015. Collection method: clinical testing. Allele origin: germline. Affected: yes.

Ophthalmic Genetics Group, Institute of Molecular and Clinical Ophthalmology Basel
Classification: Benign for Familial cancer of breast. Last evaluated: 2023-08-29. Review status: criteria provided, single submitter. Criteria: ACMG Guidelines, 2015. Collection method: curation. Allele origin: unknown.
Comment: Clinical significance based on ACMG v2.0

This variant was classified as Benign based on ACMG criteria: BA1.

Department of Zoology Govt. MVM College
Classification: Likely pathogenic for Familial cancer of breast. Review status: no assertion criteria provided. Collection method: not provided. Allele origin: unknown. Not counted in ClinVar's aggregate classification.
Comment: Our Seq: KM077020
ClinVar note: Converted during submission from probable-pathogenic to Likely pathogenic.

Genomics Division, Defence Institute of Physiology and Allied Sciences
Classification: Benign for VENOUS THROMBOEMBOLISM. Review status: no assertion criteria provided. Collection method: case-control. Allele origin: maternal. Affected: no. Not counted in ClinVar's aggregate classification.
Comment: Three age and sex matched study groups were taken and whole exome sequencing was performed. 1. Healthy Subjects (n=19) 2. Sea Level Venous Thromboembolism (n=15) 3. High Altitude Venous Thromboembolism (n=6) This variant is benign in nature. After analysis we found frequency of rs193302985 in sea level as well as high altitude induced Thromboembolism study groups. However, this SNP was absent in Healthy Subjects. First time it is reported that there is association of rs193302985 with Venous Thromboembolism.